The following is an entry in ClinVar:

NM_005228.5(EGFR):c.3250G>T (p.Asp1084Tyr)

Gene: EGFR (epidermal growth factor receptor; plus strand). Cytogenetic location: 7p11.2.
Variant type: single nucleotide variant.
Coding change: c.3250G>T on transcript NM_005228.5 (MANE Select); coding-DNA position 3250, G replaced by T.
Protein change: p.Asp1084Tyr; replaces aspartic acid 1084 with tyrosine.
Molecular consequence: missense variant.
Genome position (GRCh38, 1-based): chr7:55,202,604, G>T. VCF-style: chr7-55202604-G-T. GRCh37 (hg19) VCF-style: chr7-55270297-G-T.
Other names: c.3250G>T (NM_005228.3); c.3115G>T, p.Asp1039Tyr (NM_001346897.2, NM_001346899.2); c.3250G>T, p.Asp1084Tyr (NM_001346898.2); c.3091G>T, p.Asp1031Tyr (NM_001346900.2); c.2449G>T, p.Asp817Tyr (NM_001346941.2); short protein forms D1039Y, D817Y, D1031Y, D1084Y.
Identifiers: ClinVar variation 1345484 (VCV001345484.9), dbSNP rs535060253, ClinGen allele CA367583507.
Genomic context (GRCh38, chr7:55,202,604, plus strand): 5'-AGCTTCTTGCAGCGATACAGCTCAGACCCCACAGGCGCCTTGACTGAGGACAGCATAGAC[G>T]ACACCTTCCTCCCAGTGCCTGGTGAGTGGCTTGTCTGGAAACAGTCCTGCTCCTCAACCT-3'
Protein context (NP_005219.2, residues 1074-1094): TGALTEDSID[Asp1084Tyr]TFLPVPEYIN

ClinVar aggregate classification (germline): Uncertain significance. Review status: criteria provided, multiple submitters, no conflicts (2 of 4 stars). 2 submissions from 2 submitters: Uncertain significance (2). Last evaluated 2025-04-10.

Conditions:
Hereditary cancer-predisposing syndrome. Also called: Hereditary neoplastic syndrome; Tumor predisposition; Neoplastic Syndromes, Hereditary; Hereditary Cancer Syndrome. Identifiers: Orphanet 140162, MedGen C0027672, MeSH D009386, MONDO:0015356.
EGFR-related lung cancer (EGFR). Identifiers: MedGen CN130014.

Submissions (2):

Ambry Genetics
Classification: Uncertain significance for Hereditary cancer-predisposing syndrome. Last evaluated: 2025-04-10. Review status: criteria provided, single submitter. Criteria: Ambry Variant Classification Scheme 2023. Collection method: clinical testing. Allele origin: germline.
Comment: The p.D1084Y variant (also known as c.3250G>T), located in coding exon 27 of the EGFR gene, results from a G to T substitution at nucleotide position 3250. The aspartic acid at codon 1084 is replaced by tyrosine, an amino acid with highly dissimilar properties. This amino acid position is conserved. In addition, the in silico prediction for this alteration is inconclusive. Based on the available evidence, the clinical significance of this variant remains unclear.

Labcorp Genetics (formerly Invitae), Labcorp
Classification: Uncertain significance for EGFR-related lung cancer. Last evaluated: 2021-05-14. Review status: criteria provided, single submitter. Criteria: Invitae Variant Classification Sherloc (09022015). Collection method: clinical testing. Allele origin: germline.
Comment: This sequence change replaces aspartic acid with tyrosine at codon 1084 of the EGFR protein (p.Asp1084Tyr). The aspartic acid residue is moderately conserved and there is a large physicochemical difference between aspartic acid and tyrosine. This variant is not present in population databases (ExAC no frequency). This variant has not been reported in the literature in individuals with EGFR-related conditions. Algorithms developed to predict the effect of missense changes on protein structure and function are either unavailable or do not agree on the potential impact of this missense change (SIFT: "Deleterious"; PolyPhen-2: "Possibly Damaging"; Align-GVGD: "Class C0"). In summary, the available evidence is currently insufficient to determine the role of this variant in disease. Therefore, it has been classified as a Variant of Uncertain Significance.